The following is an entry in ClinVar:

NM_001244008.2(KIF1A):c.4768C>T (p.Leu1590Phe)

Gene: KIF1A (kinesin family member 1A; minus strand). Cytogenetic location: 2q37.3.
Variant type: single nucleotide variant.
Coding change: c.4768C>T on transcript NM_001244008.2 (MANE Select); coding-DNA position 4768, C replaced by T.
Protein change: p.Leu1590Phe; replaces leucine 1590 with phenylalanine.
Molecular consequence: missense variant.
Genome position (GRCh38, 1-based): chr2:240,721,014, G>A on the plus strand (C>T on the coding strand, the complement: KIF1A is on the minus strand). VCF-style: chr2-240721014-G-A. GRCh37 (hg19) VCF-style: chr2-241660431-G-A.
Other names: c.4492C>T, p.Leu1498Phe (NM_001320705.2, NM_001379649.1); c.4519C>T, p.Leu1507Phe (NM_001330289.2); c.4567C>T, p.Leu1523Phe (NM_001330290.2, NM_001379648.1); c.4843C>T, p.Leu1615Phe (NM_001379631.1); c.4744C>T, p.Leu1582Phe (NM_001379632.1); c.4741C>T, p.Leu1581Phe (NM_001379633.1, NM_001379645.1); c.4594C>T, p.Leu1532Phe (NM_001379634.1); c.4591C>T, p.Leu1531Phe (NM_001379635.1, NM_001379646.1); and 7 more; short protein forms L1506F, L1507F, L1531F, L1581F, L1582F, L1615F, L1497F, L1514F.
Identifiers: ClinVar variation 2011930 (VCV002011930.4), dbSNP rs2536656965, ClinGen allele CA351301947.
Genomic context (GRCh38, chr2:240,721,014, plus strand): 5'-GGCAAGTGGAGGAGGGGGTGAGAGTGGCCACCCCTAGAGGGGACATCGACGGGTCCCGGA[G>A]CAGGGTGACAGACATCTCGGAGAGCTGCGGAGGAGAGGCCTTTTTCAGGGGACACAGGGA-3'
Protein context (NP_001230937.1, residues 1580-1600): SKLSEMSVTL[Leu1590Phe]RDPSMSPLGV

ClinVar aggregate classification (germline): Uncertain significance (1 of 4 stars; one submission).

Conditions:
Hereditary spastic paraplegia 30. Identifiers: Orphanet 101010, MedGen C5235139, MONDO:0012476.
Neuropathy, hereditary sensory, type 2C. Also called: Hereditary sensory and autonomic neuropathy type IIC; KIF1A-Related HSAN2 (HSAN2C). Identifiers: Orphanet 970, MedGen C3280168, MONDO:0013634, OMIM 614213.
Intellectual disability, autosomal dominant 9 (NESCAVS). Also called: NESCAV SYNDROME; KIF1A-Related Neurodevelopmental Disorder. Identifiers: Orphanet 662367, MedGen C5393830, MONDO:0013656, OMIM 614255.

Allele frequency attached by ClinVar (database versions not stated): gnomAD exomes below 0.00001.
gnomAD v4.1: 1 of 1,611,752 alleles (0.000062%); highest among the groups gnomAD compares: South Asian, 0.0011%; no homozygotes.

Submission:

Labcorp Genetics (formerly Invitae), Labcorp
Classification: Uncertain significance for Hereditary spastic paraplegia 30; Neuropathy, hereditary sensory, type 2C; Intellectual disability, autosomal dominant 9. Last evaluated: 2022-06-28. Review status: criteria provided, single submitter. Criteria: Invitae Variant Classification Sherloc (09022015). Collection method: clinical testing. Allele origin: germline.
Comment: This variant is not present in population databases (gnomAD no frequency). In summary, the available evidence is currently insufficient to determine the role of this variant in disease. Therefore, it has been classified as a Variant of Uncertain Significance. Advanced modeling of protein sequence and biophysical properties (such as structural, functional, and spatial information, amino acid conservation, physicochemical variation, residue mobility, and thermodynamic stability) performed at Invitae indicates that this missense variant is not expected to disrupt KIF1A protein function. This variant has not been reported in the literature in individuals affected with KIF1A-related conditions. This sequence change replaces leucine, which is neutral and non-polar, with phenylalanine, which is neutral and non-polar, at codon 1489 of the KIF1A protein (p.Leu1489Phe).